The following is an entry in ClinVar:

NM_001267550.2(TTN):c.59277del (p.Val19760fs)

Genes: TTN (titin; minus strand), TTN-AS1 (TTN antisense RNA 1; plus strand). Cytogenetic location: 2q31.2.
Variant type: Deletion.
Coding change: c.59277del on transcript NM_001267550.2 (MANE Select); coding-DNA position 59277, one base deleted (A; older notation c.59277delA).
Protein change: p.Val19760fs; shifts the reading frame from valine 19760.
Molecular consequence: frameshift variant.
Genome position (GRCh38, 1-based): chr2:178,592,842, T deleted on the plus strand (A on the coding strand, the reverse complement: TTN is on the minus strand). VCF-style (leftmost placement, unchanged base first): chr2-178592841-CT-C. GRCh37 (hg19) VCF-style: chr2-179457568-CT-C.
Other names: c.54354del, p.Val18119fs (NM_001256850.1); c.32082del, p.Val10695fs (NM_003319.4); c.51573del, p.Val17192fs (NM_133378.4); c.32457del, p.Val10820fs (NM_133432.3); c.32658del, p.Val10887fs (NM_133437.4); c.32082delA (NM_003319.4); short protein forms V10695fs, V10820fs, V10887fs, V17192fs, V18119fs, V19760fs.
Identifiers: ClinVar variation 3223240 (VCV003223240.1), dbSNP rs2469551141, ClinGen allele CA2825001032.

ClinVar aggregate classification (germline): Likely pathogenic (1 of 4 stars; one submission).

Conditions:
Cardiovascular phenotype. Identifiers: MedGen CN230736.

Submission:

Ambry Genetics
Classification: Likely pathogenic for Cardiovascular phenotype. Last evaluated: 2023-10-13. Review status: criteria provided, single submitter. Criteria: Ambry Variant Classification Scheme 2023. Collection method: clinical testing. Allele origin: germline.
Comment: The c.32082delA variant, located in coding exon 127 of the TTN gene, results from a deletion of one nucleotide at nucleotide position 32082, causing a translational frameshift with a predicted alternate stop codon (p.V10695Sfs*17). This exon is located in the A-band region of the N2-B isoform of the titin protein and is constitutively expressed in TTN transcripts (percent spliced in or PSI 100%). This variant is considered to be rare based on population cohorts in the Genome Aggregation Database (gnomAD). This alteration is expected to result in loss of function by premature protein truncation or nonsense-mediated mRNA decay. While truncating variants in TTN are present in 1-3% of the general population, truncating variants in the A-band are the most common cause of dilated cardiomyopathy (DCM) (Herman DS et al. N. Engl. J. Med., 2012 Feb;366:619-28; Roberts AM et al. Sci Transl Med, 2015 Jan;7:270ra6). TTN truncating variants encoded in constitutive exons (PSI >90%) have been found to be significantly associated with DCM regardless of their position in titin (Schafer S et al. Nat. Genet., 2017 01;49:46-53). Based on the majority of available evidence to date, this variant is likely to be pathogenic.